The following is an entry in ClinVar:

NM_001099289.3(SH3RF3):c.2057A>G (p.Asn686Ser)

Genes: RANBP2 (RAN binding protein 2; plus strand), SH3RF3 (SH3 domain containing ring finger 3; plus strand). Cytogenetic location: 2q13.
Variant type: single nucleotide variant.
Coding change: c.2057A>G on transcript NM_001099289.3 (MANE Select); coding-DNA position 2057, A replaced by G.
Protein change: p.Asn686Ser; replaces asparagine 686 with serine.
Molecular consequence: missense variant.
Genome position (GRCh38, 1-based): chr2:109,449,398, A>G. VCF-style: chr2-109449398-A-G. GRCh37 (hg19) VCF-style: chr2-110065854-A-G.
Other names: short protein forms N686S.
Identifiers: ClinVar variation 3318134 (VCV003318134.1).
Genomic context (GRCh38, chr2:109,449,398, plus strand): 5'-TCCCCCTCACATCAGCAGCATCAGCCATCACACCTCCCAACGTCAGTGCCGCAAACCTCA[A>G]CGGGGAGGCTGGAGGGGGGCCCATCGGTGTTCTGTCCACATCCAGCCCCACCAACACGGG-3'
Protein context (NP_001092759.1, residues 676-696): TPPNVSAANL[Asn686Ser]GEAGGGPIGV

ClinVar aggregate classification (germline): Uncertain significance (1 of 4 stars; one submission).

gnomAD v4.1: 14 of 1,612,742 alleles (0.00087%); highest among the groups gnomAD compares: African/African-American, 0.0013%; no homozygotes.

Submission:

Ambry Genetics
Classification: Uncertain significance. Last evaluated: 2024-06-07. Review status: criteria provided, single submitter. Criteria: Ambry Variant Classification Scheme 2023. Collection method: clinical testing. Allele origin: germline.
Comment: The c.2057A>G (p.N686S) alteration is located in exon (coding exon ) of the SH3RF3 gene. This alteration results from a A to G substitution at nucleotide position 2057, causing the asparagine (N) at amino acid position 686 to be replaced by a serine (S). Based on insufficient or conflicting evidence, the clinical significance of this alteration remains unclear.